The following is an entry in ClinVar:

ClinVar aggregate classification (germline): Uncertain significance. Review status: criteria provided, multiple submitters, no conflicts (2 of 4 stars). 3 submissions from 3 submitters: Uncertain significance (2). 1 of the submissions does not count toward it. Last evaluated 2025-11-11.

Conditions:
MSH3-related disorder. Also called: MSH3-related condition.
Hereditary cancer-predisposing syndrome. Also called: Hereditary neoplastic syndrome; Neoplastic Syndromes, Hereditary; Tumor predisposition; Hereditary Cancer Syndrome. Identifiers: Orphanet 140162, MedGen C0027672, MeSH D009386, MONDO:0015356.

Allele frequency attached by ClinVar (database versions not stated): gnomAD exomes below 0.00001.
gnomAD v4.1: 3 of 1,614,012 alleles (0.00019%); highest among the groups gnomAD compares: Non-Finnish European, 0.000085%; no homozygotes.

Submissions (3):

Ambry Genetics
Classification: Uncertain significance for Hereditary cancer-predisposing syndrome. Last evaluated: 2025-11-11. Review status: criteria provided, single submitter. Criteria: Ambry Variant Classification Scheme 2023. Collection method: clinical testing. Allele origin: germline.
Comment: The p.K165E variant (also known as c.493A>G), located in coding exon 3 of the MSH3 gene, results from an A to G substitution at nucleotide position 493. The lysine at codon 165 is replaced by glutamic acid, an amino acid with similar properties. This amino acid position is well conserved in available vertebrate species. In addition, the in silico prediction for this alteration is inconclusive. Based on the available evidence, the clinical significance of this variant remains unclear.

Labcorp Genetics (formerly Invitae), Labcorp
Classification: Uncertain significance. Last evaluated: 2023-05-23. Review status: criteria provided, single submitter. Criteria: Invitae Variant Classification Sherloc (09022015). Collection method: clinical testing. Allele origin: germline.
Comment: This sequence change replaces lysine, which is basic and polar, with glutamic acid, which is acidic and polar, at codon 165 of the MSH3 protein (p.Lys165Glu). This variant is not present in population databases (gnomAD no frequency). This variant has not been reported in the literature in individuals affected with MSH3-related conditions. ClinVar contains an entry for this variant (Variation ID: 834617). An algorithm developed to predict the effect of missense changes on protein structure and function (PolyPhen-2) suggests that this variant is likely to be disruptive. In summary, the available evidence is currently insufficient to determine the role of this variant in disease. Therefore, it has been classified as a Variant of Uncertain Significance.

PreventionGenetics, part of Exact Sciences
Classification: Uncertain significance for MSH3-related condition. Last evaluated: 2024-06-28. Review status: no assertion criteria provided. Collection method: clinical testing. Allele origin: germline. Not counted in ClinVar's aggregate classification.
Comment: The MSH3 c.493A>G variant is predicted to result in the amino acid substitution p.Lys165Glu. To our knowledge, this variant has not been reported in the literature or in a large population database, indicating this variant is rare. This variant has an interpretation of uncertain significance in ClinVar. At this time, the clinical significance of this variant is uncertain due to the absence of conclusive functional and genetic evidence.

NM_002439.5(MSH3):c.493A>G (p.Lys165Glu)

Gene: MSH3 (mutS homolog 3; plus strand). Cytogenetic location: 5q14.1.
Variant type: single nucleotide variant.
Coding change: c.493A>G on transcript NM_002439.5 (MANE Select); coding-DNA position 493, A replaced by G.
Protein change: p.Lys165Glu; replaces lysine 165 with glutamic acid.
Molecular consequence: missense variant.
Genome position (GRCh38, 1-based): chr5:80,665,277, A>G. VCF-style: chr5-80665277-A-G. GRCh37 (hg19) VCF-style: chr5-79961096-A-G.
Other names: short protein forms K165E.
Identifiers: ClinVar variation 834617 (VCV000834617.12), dbSNP rs1749544149, ClinGen allele CA360263855.